The following is an entry in ClinVar:

NM_001167.4(XIAP):c.1045GAG[1] (p.Glu350del)

Gene: XIAP (X-linked inhibitor of apoptosis; plus strand). Cytogenetic location: Xq25.
Variant type: Microsatellite.
Coding change: c.1045GAG[1] on transcript NM_001167.4 (MANE Select); one copy of the 3-base unit GAG starting at c.1045; the reference has two copies in a row; one copy, 3 bases deleted.
Protein change: p.Glu350del; deletes glutamic acid 350.
Molecular consequence: inframe deletion. On other transcripts: non-coding transcript variant (2).
Genome position (GRCh38, 1-based): chrX:123,891,308-123,891,310, GAG deleted; deleting any 3 consecutive bases within chrX:123,891,305-123,891,310 gives the same sequence; the position shown is the placement nearest the transcript's 3' end. VCF-style (leftmost placement, unchanged base first): chrX-123891304-TGAG-T. GRCh37 (hg19) VCF-style: chrX-123025154-TGAG-T.
Other names: c.1048_1050delGAG (NM_001167.3); c.1045GAG[1], p.Glu350del (NM_001204401.2, NM_001378590.1, NM_001378591.1 and 1 more transcripts); short protein forms E350del.
Identifiers: ClinVar variation 225518 (VCV000225518.16), dbSNP rs199683465, ClinGen allele CA10508098.
Genomic context (GRCh38, chrX:123,891,304, plus strand): 5'-ATATCTGTTAGAACAGAAGGGACAAGAATATATAAACAATATTCATTTAACTCATTCACT[TGAG>T]GAGTGTCTGGTAAGTCTCATATAATTTATATTTTCAAATTCACATTTCAAATTATAATTT-3'

ClinVar aggregate classification (germline): Conflicting classifications of pathogenicity. Review status: criteria provided, conflicting classifications (1 of 4 stars). 6 submissions from 6 submitters: Uncertain significance (1); Benign (1); Likely benign (2). 2 of the submissions do not count toward it. Last evaluated 2025-12-03.

Conditions:
XIAP-related disorder. Also called: XIAP-related condition.
X-linked lymphoproliferative disease due to XIAP deficiency. Also called: XIAP-Related Lymphoproliferative Disease, X-Linked; XIAP DEFICIENCY. Identifiers: Orphanet 2442, Orphanet 538934, MedGen C1845076, MONDO:0010385, OMIM 300635.

Submissions (6):

Labcorp Genetics (formerly Invitae), Labcorp
Classification: Benign for X-linked lymphoproliferative disease due to XIAP deficiency. Last evaluated: 2025-12-03. Review status: criteria provided, single submitter. Criteria: Invitae Variant Classification Sherloc (09022015). Collection method: clinical testing. Allele origin: germline.

Blueprint Genetics
Classification: Likely benign. Last evaluated: 2023-12-12. Review status: criteria provided, single submitter. Criteria: ACMG Guidelines, 2015. Collection method: clinical testing. Allele origin: germline.

GeneDx
Classification: Likely benign. Last evaluated: 2023-03-02. Review status: criteria provided, single submitter. Criteria: GeneDx Variant Classification Process June 2021. Collection method: clinical testing. Allele origin: germline. Affected: yes.
Comment: See Variant Classification Assertion Criteria.

Soonchunhyang University Bucheon Hospital, Soonchunhyang University Medical Center
Classification: Uncertain significance for X-linked lymphoproliferative disease due to XIAP deficiency. Last evaluated: 2016-03-18. Review status: criteria provided, single submitter. Criteria: ACMG Guidelines, 2015. Collection method: reference population. Allele origin: germline. Observed: 2 variant alleles.

PreventionGenetics, part of Exact Sciences
Classification: Likely benign for XIAP-related condition. Last evaluated: 2023-12-14. Review status: no assertion criteria provided. Collection method: clinical testing. Allele origin: germline. Not counted in ClinVar's aggregate classification.
Comment: This variant is classified as likely benign based on ACMG/AMP sequence variant interpretation guidelines (Richards et al. 2015 PMID: 25741868, with internal and published modifications).

OMIM
Classification: Pathogenic for LYMPHOPROLIFERATIVE SYNDROME, X-LINKED, 2. Last evaluated: 2017-12-05. Review status: no assertion criteria provided. Collection method: literature only. Allele origin: germline. Not counted in ClinVar's aggregate classification.

Literature cited by the submitters: PubMed 22228567 (cited by Soonchunhyang University Bucheon Hospital, Soonchunhyang University Medical Center and OMIM); PubMed 26182687 (cited by OMIM).